The following is an entry in ClinVar:

ClinVar aggregate classification (germline): Conflicting classifications of pathogenicity. Review status: criteria provided, conflicting classifications (1 of 4 stars). 4 submissions from 4 submitters: Likely pathogenic (1); Uncertain significance (3). Last evaluated 2024-06-27.

Conditions:
Ataxia, early-onset, with oculomotor apraxia and hypoalbuminemia (EAOH). Also called: ATAXIA-OCULOMOTOR APRAXIA SYNDROME; ATAXIA-TELANGIECTASIA-LIKE SYNDROME; Ataxia-oculomotor apraxia type 1. Identifiers: Orphanet 1168, MedGen C1859598, MONDO:0008842, OMIM 208920.

Allele frequency attached by ClinVar (database versions not stated): gnomAD exomes 0.00013; ExAC 0.00017; TOPMed 0.00058; gnomAD 0.00060 and 0.00062; 1000 Genomes Project 30x 0.00062; 1000 Genomes Project 0.00080; ESP Exome Variant Server 0.00085.

Submissions (6):

Blueprint Genetics
Classification: Uncertain significance. Last evaluated: 2024-06-27. Review status: criteria provided, single submitter. Criteria: ACMG Guidelines, 2015. Collection method: clinical testing. Allele origin: germline.

Genomic Medicine Center of Excellence, King Faisal Specialist Hospital and Research Centre
Classification: Uncertain significance for Ataxia, early-onset, with oculomotor apraxia and hypoalbuminemia. Last evaluated: 2024-03-26. Review status: criteria provided, single submitter. Criteria: ACMG Guidelines, 2015. Collection method: clinical testing. Allele origin: germline.

Women's Health and Genetics/Laboratory Corporation of America, LabCorp
Classification: Uncertain significance. Last evaluated: 2023-10-13. Review status: criteria provided, single submitter. Criteria: LabCorp Variant Classification Summary - May 2015. Collection method: clinical testing. Allele origin: germline.
Comment: Variant summary: APTX c.-111+1G>T is located in a canonical splice-site in the 5'UTR region and is predicted to affect mRNA splicing resulting in a significantly altered protein due to either exon skipping, shortening, or inclusion of intronic material. Several computational tools predict a significant impact on normal splicing: Four predict the variant abolishes a 5' splicing donor site. However, these predictions have yet to be confirmed by functional studies. The variant allele was found at a frequency of 0.00013 in 251034 control chromosomes. To our knowledge, no occurrence of c.-111+1G>T in individuals affected with Ataxia, Early-Onset, With Oculomotor Apraxia And Hypoalbuminemia and no experimental evidence demonstrating its impact on protein function have been reported. One submitter has cited clinical-significance assessments for this variant to ClinVar after 2014 and has classified the variant as likely pathogenic. Based on the evidence outlined above, the variant was classified as uncertain significance.

CeGaT Center for Human Genetics Tuebingen
Classification: Likely pathogenic. Last evaluated: 2019-04-01. Review status: criteria provided, single submitter. Criteria: CeGaT Center For Human Genetics Tuebingen Variant Classification Criteria Version 2. Collection method: clinical testing. Allele origin: germline. Affected: yes. Observed: 1 variant allele.

Dr. Peter K. Rogan Lab, Western University
No classification provided (evidence only). Condition: Colon adenocarcinoma. Review status: no classification provided. Collection method: in vitro. Allele origin: not applicable. Functional consequence: retained intron. Not counted in ClinVar's aggregate classification.

Dr. Peter K. Rogan Lab, Western University
No classification provided (evidence only). Condition: Thymoma. Review status: no classification provided. Collection method: in vitro. Allele origin: not applicable. Functional consequence: retained intron. Not counted in ClinVar's aggregate classification.

NM_001195248.2(APTX):c.-5+1G>T

Gene: APTX (aprataxin; minus strand). Cytogenetic location: 9p21.1.
Variant type: single nucleotide variant.
Coding change: c.-5+1G>T on transcript NM_001195248.2 (MANE Select); the canonical splice donor site of the intron after 5 bases upstream of the start codon, G replaced by T.
Molecular consequence: splice donor variant. On other transcripts: 5 prime UTR variant (5), non-coding transcript variant (1), intron variant (8).
Genome position (GRCh38, 1-based): chr9:33,001,566, C>A on the plus strand (G>T on the coding strand, the complement: APTX is on the minus strand). VCF-style: chr9-33001566-C-A. GRCh37 (hg19) VCF-style: chr9-33001564-C-A.
Other names: NC_000009.11:g.33001564C>A; c.-238G>T (NM_001195249.2); c.-55G>T (NM_001195254.2, NM_001368998.1); c.-314G>T (NM_001370670.1); c.-497G>T (NM_001370673.1); c.-4-11671G>T (NM_001369001.1, NM_001368996.1, NM_001368995.1 and 3 more transcripts); c.-263-11671G>T (NM_001369002.1, NM_001369003.1); c.-5+1G>T (NM_001195250.2, NM_001195252.2, NM_175069.3); and 4 more.
Identifiers: ClinVar variation 810366 (VCV000810366.45), dbSNP rs146487634, ClinGen allele CA5022760.
Genomic context (GRCh38, chr9:33,001,566, plus strand): 5'-GAACGCTCACCCGCGGCATTGAGCCCAGCCAGCAGAAGAGATAGGCTGACGACCGCCTTA[C>A]CTCCAGAAGTCGGAGACGGACAAATTCACGTTACTCATCTGTGCCTCACCGCTTCCGGCG-3'